The following is an entry in ClinVar:

NM_001457.4(FLNB):c.1987A>C (p.Asn663His)

Gene: FLNB (filamin B; plus strand). Cytogenetic location: 3p14.3.
Variant type: single nucleotide variant.
Coding change: c.1987A>C on transcript NM_001457.4 (MANE Select); coding-DNA position 1987, A replaced by C.
Protein change: p.Asn663His; replaces asparagine 663 with histidine.
Molecular consequence: missense variant.
Genome position (GRCh38, 1-based): chr3:58,108,503, A>C. VCF-style: chr3-58108503-A-C. GRCh37 (hg19) VCF-style: chr3-58094230-A-C.
Other names: c.1987A>C, p.Asn663His (NM_001164317.2, NM_001164318.2, NM_001164319.2); short protein forms N663H.
Identifiers: ClinVar variation 1963840 (VCV001963840.5), dbSNP rs2097263380, ClinGen allele CA353342197.

ClinVar aggregate classification (germline): Uncertain significance (1 of 4 stars; one submission).

Allele frequency attached by ClinVar (database versions not stated): gnomAD exomes below 0.00001.
gnomAD v4.1: 1 of 1,614,188 alleles (0.000062%); highest among the groups gnomAD compares: Admixed American, 0.0017%; no homozygotes.

Submission:

Labcorp Genetics (formerly Invitae), Labcorp
Classification: Uncertain significance. Last evaluated: 2024-11-04. Review status: criteria provided, single submitter. Criteria: Invitae Variant Classification Sherloc (09022015). Collection method: clinical testing. Allele origin: germline.
Comment: This sequence change replaces asparagine, which is neutral and polar, with histidine, which is basic and polar, at codon 663 of the FLNB protein (p.Asn663His). This variant is not present in population databases (gnomAD no frequency). This variant has not been reported in the literature in individuals affected with FLNB-related conditions. ClinVar contains an entry for this variant (Variation ID: 1963840). Invitae Evidence Modeling of protein sequence and biophysical properties (such as structural, functional, and spatial information, amino acid conservation, physicochemical variation, residue mobility, and thermodynamic stability) indicates that this missense variant is not expected to disrupt FLNB protein function with a negative predictive value of 95%. In summary, the available evidence is currently insufficient to determine the role of this variant in disease. Therefore, it has been classified as a Variant of Uncertain Significance.